The following is an entry in ClinVar:

ClinVar aggregate classification (germline): Pathogenic. Review status: criteria provided, multiple submitters, no conflicts (2 of 4 stars). 4 submissions from 4 submitters: Pathogenic (2). 2 of the submissions do not count toward it. Last evaluated 2025-01-23.

Conditions:
Inborn genetic diseases. Identifiers: MedGen C0950123, MeSH D030342.
NEURODEVELOPMENTAL DISORDER WITH INTELLECTUAL, VISUAL, AND LANGUAGE IMPAIRMENT (NEDVIL). Identifiers: MedGen CN382136, OMIM 621635.
PIP5K1C-related neurodevelopmental disorder. Identifiers: MedGen CN379478, MONDO:1010145.

Submissions (4):

GeneDx
Classification: Pathogenic. Last evaluated: 2025-01-23. Review status: criteria provided, single submitter. Criteria: GeneDx Variant Classification Process June 2021. Collection method: clinical testing. Allele origin: germline. Affected: yes.
Comment: Not observed at significant frequency in large population cohorts (gnomAD); In silico analysis supports that this missense variant has a deleterious effect on protein structure/function; This variant is associated with the following publications: (PMID: 33057194, 35982159, 31785789, 35468861, 37451268)

Ambry Genetics
Classification: Pathogenic for Inborn genetic diseases. Last evaluated: 2024-08-23. Review status: criteria provided, single submitter. Criteria: Ambry Variant Classification Scheme 2023. Collection method: clinical testing. Allele origin: germline.
Comment: The c.662A>G (p.Y221C) alteration is located in exon 7 (coding exon 7) of the PIP5K1C gene. This alteration results from an A to G substitution at nucleotide position 662, causing the tyrosine (Y) at amino acid position 221 to be replaced by a cysteine (C). This variant was not reported in population-based cohorts in the Genome Aggregation Database (gnomAD). This variant has been determined to be the result of a de novo mutation in multiple individuals with motor delay, speech delay, intellectual disability, seizures, visual impairment, brain MRI abnormalities, and/or other clinical features consistent with PIP5K1C-related neurodevelopmental disorder; in one instance, this variant was detected mosaic (Morleo, 2023). This amino acid position is well conserved in available vertebrate species. This missense alteration is located in a region that has a low rate of benign missense variation (Lek, 2016; Firth, 2009). The in silico prediction for this alteration is inconclusive. Based on the available evidence, this alteration is classified as pathogenic.

OMIM
Classification: Pathogenic for NEURODEVELOPMENTAL DISORDER WITH INTELLECTUAL VISUAL AND LANGUAGE IMPAIRMENT. Last evaluated: 2026-06-25. Review status: no assertion criteria provided. Collection method: literature only. Allele origin: germline. Not counted in ClinVar's aggregate classification.

Undiagnosed Diseases Network, NIH
Classification: Pathogenic for PIP5K1C-related neurodevelopmental disorder. Last evaluated: 2023-08-02. Review status: no assertion criteria provided. Collection method: clinical testing, in vivo, in vitro. Allele origin: de novo. Inheritance: Autosomal dominant inheritance. Affected: yes. Observed: 1 variant allele, 1 heterozygote. Functional consequence: gain_of_function_variant. Study: Undiagnosed Diseases Network (NIH), UDN. Not counted in ClinVar's aggregate classification.

Literature cited by the submitters: PubMed 37451268 (cited by 3 submitters).

NM_012398.3(PIP5K1C):c.662A>G (p.Tyr221Cys)

Gene: PIP5K1C (phosphatidylinositol-4-phosphate 5-kinase type 1 gamma; minus strand). Cytogenetic location: 19p13.3.
Variant type: single nucleotide variant.
Coding change: c.662A>G on transcript NM_012398.3 (MANE Select); coding-DNA position 662, A replaced by G.
Protein change: p.Tyr221Cys; replaces tyrosine 221 with cysteine.
Molecular consequence: missense variant.
Genome position (GRCh38, 1-based): chr19:3,653,549, T>C on the plus strand (A>G on the coding strand, the complement: PIP5K1C is on the minus strand). VCF-style: chr19-3653549-T-C. GRCh37 (hg19) VCF-style: chr19-3653547-T-C.
Other names: c.662A>G, p.Tyr221Cys (NM_001195733.2, NM_001300849.2); short protein forms Y221C.
Identifiers: ClinVar variation 1172538 (VCV001172538.9), dbSNP rs991616868, ClinGen allele CA403387754.
Genomic context (GRCh38, chr19:3,653,549, plus strand): 5'-ATGTTGTTCATGACCACGACGCGGATGTTCTTGCCCCCCGACTGCACGCAGTACAGCCCA[T>C]AGAACTTGGGCAGCAGCGTCCGCGGGTTCTGGTTGAGGTTCTGCCGGGGGAAGAGGGCAA-3'
Protein context (NP_036530.1, residues 211-231): QNPRTLLPKF[Tyr221Cys]GLYCVQSGGK